The following is an entry in ClinVar:

ClinVar aggregate classification (germline): Uncertain significance (1 of 4 stars; one submission).

Conditions:
Porokeratosis 3, disseminated superficial actinic type (POROK3). Also called: POROKERATOSIS 3, MULTIPLE TYPES; POROKERATOSIS 3, MIBELLI TYPE; POROKERATOSIS, DISSEMINATED SUPERFICIAL ACTINIC, 1. Identifiers: MedGen C1867981, MONDO:0008293, OMIM 175900.
Mevalonic aciduria (MEVA). Identifiers: Orphanet 29, MedGen C1959626, MONDO:0012481, OMIM 610377.
Hyperimmunoglobulin D with periodic fever (HIDS). Also called: HYPERIMMUNOGLOBULINEMIA D AND PERIODIC FEVER SYNDROME; Hyperimmunoglobulinemia D; Hyperimmunoglobulinemia D with periodic fever. Identifiers: Orphanet 343, MedGen C0398691, MONDO:0009849, OMIM 260920.

Submission:

Labcorp Genetics (formerly Invitae), Labcorp
Classification: Uncertain significance for Mevalonic aciduria; Hyperimmunoglobulin D with periodic fever; Porokeratosis 3, disseminated superficial actinic type. Last evaluated: 2022-06-30. Review status: criteria provided, single submitter. Criteria: Invitae Variant Classification Sherloc (09022015). Collection method: clinical testing. Allele origin: germline.
Comment: This variant is not present in population databases (gnomAD no frequency). In summary, the available evidence is currently insufficient to determine the role of this variant in disease. Therefore, it has been classified as a Variant of Uncertain Significance. Advanced modeling of protein sequence and biophysical properties (such as structural, functional, and spatial information, amino acid conservation, physicochemical variation, residue mobility, and thermodynamic stability) performed at Invitae indicates that this missense variant is not expected to disrupt MVK protein function. This variant has not been reported in the literature in individuals affected with MVK-related conditions. This sequence change replaces alanine, which is neutral and non-polar, with aspartic acid, which is acidic and polar, at codon 359 of the MVK protein (p.Ala359Asp).

NM_000431.4(MVK):c.1076C>A (p.Ala359Asp)

Gene: MVK (mevalonate kinase; plus strand). Cytogenetic location: 12q24.11.
Variant type: single nucleotide variant.
Coding change: c.1076C>A on transcript NM_000431.4 (MANE Select); coding-DNA position 1076, C replaced by A.
Protein change: p.Ala359Asp; replaces alanine 359 with aspartic acid.
Molecular consequence: missense variant.
Genome position (GRCh38, 1-based): chr12:109,596,462, C>A. VCF-style: chr12-109596462-C-A. GRCh37 (hg19) VCF-style: chr12-110034267-C-A.
Other names: c.1076C>A, p.Ala359Asp (NM_001114185.3, NM_001414511.1); c.920C>A, p.Ala307Asp (NM_001301182.2); c.1151C>A, p.Ala384Asp (NM_001414512.1); c.1087C>A, p.Pro363Thr (NM_001414513.1); c.931C>A, p.Pro311Thr (NM_001414514.1); c.494C>A, p.Ala165Asp (NM_001414515.1); short protein forms A384D, P311T, P363T, A307D, A165D, A359D.
Identifiers: ClinVar variation 2134569 (VCV002134569.4), dbSNP rs2548642835, ClinGen allele CA386651288.